The following is an entry in ClinVar:

ClinVar aggregate classification (germline): Uncertain significance (1 of 4 stars; one submission).

Allele frequency attached by ClinVar (database versions not stated): ExAC 0.00001; gnomAD 0.00001.
gnomAD v4.1: 1 of 1,208,635 alleles (0.000083%); highest among the groups gnomAD compares: African/African-American, 0.0017%; no homozygotes.

Submission:

GeneDx
Classification: Uncertain significance. Last evaluated: 2023-02-15. Review status: criteria provided, single submitter. Criteria: GeneDx Variant Classification Process June 2021. Collection method: clinical testing. Allele origin: germline. Affected: yes.
Comment: Not observed at significant frequency in large population cohorts (gnomAD); In silico analysis supports that this missense variant has a deleterious effect on protein structure/function; Has not been previously published as pathogenic or benign to our knowledge

NM_020922.5(WNK3):c.4928A>C (p.Lys1643Thr)

Gene: WNK3 (WNK lysine deficient protein kinase 3; minus strand). Cytogenetic location: Xp11.22.
Variant type: single nucleotide variant.
Coding change: c.4928A>C on transcript NM_020922.5 (MANE Select); coding-DNA position 4928, A replaced by C.
Protein change: p.Lys1643Thr; replaces lysine 1643 with threonine.
Molecular consequence: missense variant.
Genome position (GRCh38, 1-based): chrX:54,202,136, T>G on the plus strand (A>C on the coding strand, the complement: WNK3 is on the minus strand). VCF-style: chrX-54202136-T-G. GRCh37 (hg19) VCF-style: chrX-54228569-T-G.
Other names: c.4757A>C, p.Lys1586Thr (NM_001002838.4, NM_001395166.1); short protein forms K1586T, K1643T.
Identifiers: ClinVar variation 2576850 (VCV002576850.1), dbSNP rs782462161, ClinGen allele CA10424159.